The following is an entry in ClinVar:

NM_000388.4(CASR):c.2990C>T (p.Ser997Phe)

Gene: CASR (calcium sensing receptor; plus strand). Cytogenetic location: 3q21.1.
Variant type: single nucleotide variant.
Coding change: c.2990C>T on transcript NM_000388.4 (MANE Select); coding-DNA position 2990, C replaced by T.
Protein change: p.Ser997Phe; replaces serine 997 with phenylalanine.
Molecular consequence: missense variant.
Genome position (GRCh38, 1-based): chr3:122,284,944, C>T. VCF-style: chr3-122284944-C-T. GRCh37 (hg19) VCF-style: chr3-122003791-C-T.
Other names: c.3020C>T, p.Ser1007Phe (NM_001178065.2); short protein forms S1007F, S997F.
Identifiers: ClinVar variation 2087976 (VCV002087976.4), dbSNP rs1244383237, ClinGen allele CA354161218.

ClinVar aggregate classification (germline): Uncertain significance (1 of 4 stars; one submission).

Conditions:
Autosomal dominant hypocalcemia 1 (HYPOC1). Also called: HYPOCALCEMIA, FAMILIAL. Identifiers: MedGen C3715128, MONDO:0011013, OMIM 601198.
Familial hypocalciuric hypercalcemia (FHH). Also called: Familial benign hypercalcemia. Identifiers: Orphanet 405, MedGen C1809471, MONDO:0018458.

Allele frequency attached by ClinVar (database versions not stated): TOPMed below 0.00001.

Submission:

Labcorp Genetics (formerly Invitae), Labcorp
Classification: Uncertain significance for Familial hypocalciuric hypercalcemia; Autosomal dominant hypocalcemia 1. Last evaluated: 2022-01-19. Review status: criteria provided, single submitter. Criteria: Invitae Variant Classification Sherloc (09022015). Collection method: clinical testing. Allele origin: germline.
Comment: In summary, the available evidence is currently insufficient to determine the role of this variant in disease. Therefore, it has been classified as a Variant of Uncertain Significance. Algorithms developed to predict the effect of missense changes on protein structure and function are either unavailable or do not agree on the potential impact of this missense change (SIFT: "Deleterious"; PolyPhen-2: "Possibly Damaging"; Align-GVGD: "Class C0"). This variant has not been reported in the literature in individuals affected with CASR-related conditions. This variant is not present in population databases (gnomAD no frequency). This sequence change replaces serine, which is neutral and polar, with phenylalanine, which is neutral and non-polar, at codon 997 of the CASR protein (p.Ser997Phe).